The following is an entry in ClinVar:

NM_014444.5(TUBGCP4):c.1597-8T>C

Gene: TUBGCP4 (tubulin gamma complex component 4; plus strand). Cytogenetic location: 15q15.3.
Variant type: single nucleotide variant.
Coding change: c.1597-8T>C on transcript NM_014444.5 (MANE Select); 8 bases into the intron before coding-DNA position 1597, T replaced by C.
Molecular consequence: intron variant.
Genome position (GRCh38, 1-based): chr15:43,401,708, T>C. VCF-style: chr15-43401708-T-C. GRCh37 (hg19) VCF-style: chr15-43693906-T-C.
Other names: c.1600-8T>C (NM_001286414.3, NM_001286414.2).
Identifiers: ClinVar variation 1089768 (VCV001089768.11), dbSNP rs745344106, ClinGen allele CA7524140.

ClinVar aggregate classification (germline): Likely benign. Review status: criteria provided, multiple submitters, no conflicts (2 of 4 stars). 3 submissions from 3 submitters: Likely benign (3). Last evaluated 2026-03-12.

Conditions:
TUBGCP4-related disorder. Also called: TUBGCP4-related condition.

Allele frequency attached by ClinVar (database versions not stated): gnomAD 0.00005 and 0.00006; gnomAD exomes 0.00005; ExAC 0.00006; TOPMed 0.00006.
gnomAD v4.1: 87 of 1,613,420 alleles (0.0054%); highest among the groups gnomAD compares: Non-Finnish European, 0.0069%; no homozygotes.

Submissions (3):

PreventionGenetics, part of Exact Sciences
Classification: Likely benign for TUBGCP4-related condition. Last evaluated: 2026-03-12. Review status: criteria provided, single submitter. Criteria: ACMG Guidelines, 2015. Collection method: clinical testing. Allele origin: germline.
Comment: This variant is classified as likely benign based on ACMG/AMP sequence variant interpretation guidelines (Richards et al. 2015 PMID: 25741868, with internal and published modifications).

Labcorp Genetics (formerly Invitae), Labcorp
Classification: Likely benign. Last evaluated: 2025-12-15. Review status: criteria provided, single submitter. Criteria: Invitae Variant Classification Sherloc (09022015). Collection method: clinical testing. Allele origin: germline.

Blueprint Genetics
Classification: Likely benign. Last evaluated: 2023-02-10. Review status: criteria provided, single submitter. Criteria: ACMG Guidelines, 2015. Collection method: clinical testing. Allele origin: germline.